The following is an entry in ClinVar:

ClinVar aggregate classification (germline): Uncertain significance (1 of 4 stars; one submission).

gnomAD v4.1: 1 of 1,607,560 alleles (0.000062%); highest among the groups gnomAD compares: Non-Finnish European, 0.000085%; no homozygotes.

Submission:

Labcorp Genetics (formerly Invitae), Labcorp
Classification: Uncertain significance. Last evaluated: 2025-06-04. Review status: criteria provided, single submitter. Criteria: Invitae Variant Classification Sherloc (09022015). Collection method: clinical testing. Allele origin: germline.
Comment: This sequence change affects codon 398 of the HNRNPK mRNA. It is a 'silent' change, meaning that it does not change the encoded amino acid sequence of the HNRNPK protein. It affects a nucleotide within the consensus splice site. This variant is present in population databases (no rsID available, gnomAD 0.003%). This variant has not been reported in the literature in individuals affected with HNRNPK-related conditions. ClinVar contains an entry for this variant (Variation ID: 3624104). Algorithms developed to predict the effect of sequence changes on RNA splicing suggest that this variant is not likely to affect RNA splicing. In summary, the available evidence is currently insufficient to determine the role of this variant in disease. Therefore, it has been classified as a Variant of Uncertain Significance.

NM_031263.4(HNRNPK):c.1192T>C (p.Leu398=)

Gene: HNRNPK (heterogeneous nuclear ribonucleoprotein K; minus strand). Cytogenetic location: 9q21.32.
Variant type: single nucleotide variant.
Coding change: c.1192T>C on transcript NM_031263.4 (MANE Select); coding-DNA position 1192, T replaced by C.
Protein change: p.Leu398=; no amino-acid change (leucine 398 retained).
Molecular consequence: synonymous variant.
Genome position (GRCh38, 1-based): chr9:83,970,331, A>G on the plus strand (T>C on the coding strand, the complement: HNRNPK is on the minus strand). VCF-style: chr9-83970331-A-G. GRCh37 (hg19) VCF-style: chr9-86585246-A-G.
Other names: c.1120T>C, p.Leu374= (NM_001318186.2, NM_001318187.2); c.1192T>C, p.Leu398= (NM_001318188.2, NM_002140.5, NM_031262.4).
Identifiers: ClinVar variation 3624104 (VCV003624104.2).